The following is an entry in ClinVar:

ClinVar aggregate classification (germline): Pathogenic (1 of 4 stars; one submission).

Conditions:
Spastic paraplegia. Identifiers: MedGen C0037772, HP:0001258.

Submission:

Labcorp Genetics (formerly Invitae), Labcorp
Classification: Pathogenic for Spastic paraplegia. Last evaluated: 2022-10-31. Review status: criteria provided, single submitter. Criteria: Invitae Variant Classification Sherloc (09022015). Collection method: clinical testing. Allele origin: germline.
Comment: For these reasons, this variant has been classified as Pathogenic. This variant has not been reported in the literature in individuals affected with SACS-related conditions. This variant is a gross deletion of the genomic region encompassing exon(s) 2-9 of the SACS gene, which includes the initiator codon. This deletion extends beyond the assayed region for this gene and therefore may encompass additional genes. It is expected to result in an absent or disrupted protein product. Loss-of-function variants in SACS are known to be pathogenic (PMID: 18465152, 20876471).

Literature cited by the submitters: PubMed 18465152; PubMed 20876471.

NC_000013.10:g.(?_23927914)_(23985388_?)del

Gene: SACS (sacsin molecular chaperone; minus strand). Cytogenetic location: 13q12.12.
Variant type: Deletion.
Identifiers: ClinVar variation 2425946 (VCV002425946.4).